The following is an entry in ClinVar:

ClinVar aggregate classification (germline): Likely benign. Review status: criteria provided, multiple submitters, no conflicts (2 of 4 stars). 3 submissions from 3 submitters: Likely benign (2). 1 of the submissions does not count toward it. Last evaluated 2025-08-12.

Conditions:
Inborn genetic diseases. Identifiers: MedGen C0950123, MeSH D030342.
RAI1-related disorder. Also called: RAI1-related condition.

Allele frequency attached by ClinVar (database versions not stated): gnomAD exomes 0.00002; ExAC 0.00004; gnomAD 0.00004; TOPMed 0.00006; ESP Exome Variant Server 0.00015; 1000 Genomes Project 30x 0.00016; 1000 Genomes Project 0.00020.
gnomAD v4.1: 39 of 1,612,256 alleles (0.0024%); highest among the groups gnomAD compares: South Asian, 0.016%; no homozygotes.

Submissions (3):

Ambry Genetics
Classification: Likely benign for Inborn genetic diseases. Last evaluated: 2025-08-12. Review status: criteria provided, single submitter. Criteria: Ambry Variant Classification Scheme 2023. Collection method: clinical testing. Allele origin: germline.

Labcorp Genetics (formerly Invitae), Labcorp
Classification: Likely benign. Last evaluated: 2025-04-16. Review status: criteria provided, single submitter. Criteria: Invitae Variant Classification Sherloc (09022015). Collection method: clinical testing. Allele origin: germline.

PreventionGenetics, part of Exact Sciences
Classification: Likely benign for RAI1-related condition. Last evaluated: 2024-01-03. Review status: no assertion criteria provided. Collection method: clinical testing. Allele origin: germline. Not counted in ClinVar's aggregate classification.
Comment: This variant is classified as likely benign based on ACMG/AMP sequence variant interpretation guidelines (Richards et al. 2015 PMID: 25741868, with internal and published modifications).

NM_030665.4(RAI1):c.1558G>A (p.Gly520Ser)

Gene: RAI1 (retinoic acid induced 1; plus strand). Cytogenetic location: 17p11.2.
Variant type: single nucleotide variant.
Coding change: c.1558G>A on transcript NM_030665.4 (MANE Select); coding-DNA position 1558, G replaced by A.
Protein change: p.Gly520Ser; replaces glycine 520 with serine.
Molecular consequence: missense variant.
Genome position (GRCh38, 1-based): chr17:17,794,506, G>A. VCF-style: chr17-17794506-G-A. GRCh37 (hg19) VCF-style: chr17-17697820-G-A.
Other names: c.1558G>A (NM_030665.3); short protein forms G520S.
Identifiers: ClinVar variation 2065050 (VCV002065050.7), dbSNP rs147708297, ClinGen allele CA8418358.
Genomic context (GRCh38, chr17:17,794,506, plus strand): 5'-CCGCCGAGCAGCACGCCACAGTCCACGCATGCGGAGCCGCAGGAGGCCGACTACCTGAGC[G>A]GCTCCGAGGACCCACTGGAGCGCAGCTTCCTCTACTGCAACCAGGCCCGTGGCAGCCCTG-3'
Protein context (NP_109590.3, residues 510-530): AEPQEADYLS[Gly520Ser]SEDPLERSFL